The following is an entry in ClinVar:

NM_000128.4(F11):c.755+1G>C

Gene: F11 (coagulation factor XI; plus strand). Cytogenetic location: 4q35.2.
Variant type: single nucleotide variant.
Coding change: c.755+1G>C on transcript NM_000128.4 (MANE Select); the canonical splice donor site of the intron after coding-DNA position 755, G replaced by C.
Molecular consequence: splice donor variant.
Genome position (GRCh38, 1-based): chr4:186,276,391, G>C. VCF-style: chr4-186276391-G-C. GRCh37 (hg19) VCF-style: chr4-187197545-G-C.
Identifiers: ClinVar variation 2115214 (VCV002115214.4), dbSNP rs757275646, ClinGen allele CA358959471.

ClinVar aggregate classification (germline): Likely pathogenic (1 of 4 stars; one submission).

Submission:

Labcorp Genetics (formerly Invitae), Labcorp
Classification: Likely pathogenic. Last evaluated: 2022-03-29. Review status: criteria provided, single submitter. Criteria: Invitae Variant Classification Sherloc (09022015). Collection method: clinical testing. Allele origin: germline.
Comment: In summary, the currently available evidence indicates that the variant is pathogenic, but additional data are needed to prove that conclusively. Therefore, this variant has been classified as Likely Pathogenic. Algorithms developed to predict the effect of sequence changes on RNA splicing suggest that this variant may disrupt the consensus splice site. This variant has not been reported in the literature in individuals affected with F11-related conditions. This variant is not present in population databases (gnomAD no frequency). This sequence change affects a donor splice site in intron 7 of the F11 gene. It is expected to disrupt RNA splicing. Variants that disrupt the donor or acceptor splice site typically lead to a loss of protein function (PMID: 16199547), and loss-of-function variants in F11 are known to be pathogenic (PMID: 23929304).

Literature cited by the submitters: PubMed 16199547; PubMed 23929304.